The following is an entry in ClinVar:

ClinVar aggregate classification (germline): Uncertain significance (1 of 4 stars; one submission).

Submission:

Labcorp Genetics (formerly Invitae), Labcorp
Classification: Uncertain significance. Last evaluated: 2022-12-08. Review status: criteria provided, single submitter. Criteria: Invitae Variant Classification Sherloc (09022015). Collection method: clinical testing. Allele origin: germline.
Comment: This sequence change replaces aspartic acid, which is acidic and polar, with asparagine, which is neutral and polar, at codon 1384 of the TET2 protein (p.Asp1384Asn). This variant is not present in population databases (gnomAD no frequency). This variant has not been reported in the literature in individuals affected with TET2-related conditions. Algorithms developed to predict the effect of missense changes on protein structure and function are either unavailable or do not agree on the potential impact of this missense change (SIFT: "Deleterious"; PolyPhen-2: "Probably Damaging"; Align-GVGD: "Class C15"). In summary, the available evidence is currently insufficient to determine the role of this variant in disease. Therefore, it has been classified as a Variant of Uncertain Significance.

NM_001127208.3(TET2):c.4150G>A (p.Asp1384Asn)

Genes: TET2 (tet methylcytosine dioxygenase 2; plus strand), TET2-AS1 (TET2 antisense RNA 1; minus strand). Cytogenetic location: 4q24.
Variant type: single nucleotide variant.
Coding change: c.4150G>A on transcript NM_001127208.3 (MANE Select); coding-DNA position 4150, G replaced by A.
Protein change: p.Asp1384Asn; replaces aspartic acid 1384 with asparagine.
Molecular consequence: missense variant.
Genome position (GRCh38, 1-based): chr4:105,269,715, G>A. VCF-style: chr4-105269715-G-A. GRCh37 (hg19) VCF-style: chr4-106190872-G-A.
Other names: short protein forms D1384N.
Identifiers: ClinVar variation 2036769 (VCV002036769.4), dbSNP rs2476698197, ClinGen allele CA357809771.
Genomic context (GRCh38, chr4:105,269,715, plus strand): 5'-GAAGGCCGTCCATTCTCAGGGGTCACTGCATGTTTGGACTTCTGTGCTCATGCCCACAGA[G>A]ACTTGCACAACATGCAGAATGGCAGCACATTGGTAAGTTGGGCTGAGGACAGCTTAGCAG-3'
Protein context (NP_001120680.1, residues 1374-1394): CLDFCAHAHR[Asp1384Asn]LHNMQNGSTL